The following is an entry in ClinVar:

NM_004415.4(DSP):c.918T>C (p.Ala306=)

Gene: DSP (desmoplakin; plus strand). Cytogenetic location: 6p24.3.
Variant type: single nucleotide variant.
Coding change: c.918T>C on transcript NM_004415.4 (MANE Select); coding-DNA position 918, T replaced by C.
Protein change: p.Ala306=; no amino-acid change (alanine 306 retained).
Molecular consequence: synonymous variant.
Genome position (GRCh38, 1-based): chr6:7,565,499, T>C. VCF-style: chr6-7565499-T-C. GRCh37 (hg19) VCF-style: chr6-7565732-T-C.
Other names: c.918T>C, p.Ala306= (NM_001008844.3, NM_001319034.2, NM_001406591.1).
Identifiers: ClinVar variation 3071471 (VCV003071471.1), dbSNP rs2533872889, ClinGen allele CA448518679.
Genomic context (GRCh38, chr6:7,565,499, plus strand): 5'-CAATGACTGCGAGGAGGAGGAGCTGCTGTACGACTGGAGCGACAAGAACACCAACATCGC[T>C]CAGAAACAGGAGGCCTTCTCCGTAAGTTCACCCCACGCGGCTGTAGATGCTTGTCTTGAG-3'
Protein context (NP_004406.2, residues 296-316): YDWSDKNTNI[Ala306=]QKQEAFSIRM

ClinVar aggregate classification (germline): Likely benign (1 of 4 stars; one submission).

Conditions:
Arrhythmogenic cardiomyopathy with wooly hair and keratoderma. Also called: PALMOPLANTAR KERATODERMA WITH LEFT VENTRICULAR CARDIOMYOPATHY AND WOOLLY HAIR; Carvajal syndrome; Dilated cardiomyopathy with woolly hair and keratoderma; Arrhythmogenic cardiomyopathy with woolly hair and keratoderma. Identifiers: Orphanet 65282, MedGen C1854063, MONDO:0011581, OMIM 605676.

Submission:

All of Us Research Program, National Institutes of Health
Classification: Likely benign for Arrhythmogenic cardiomyopathy with wooly hair and keratoderma. Last evaluated: 2023-06-08. Review status: criteria provided, single submitter. Criteria: ACMG Guidelines, 2015. Collection method: clinical testing. Allele origin: germline. Inheritance: Autosomal dominant inheritance. Observed: 1 variant allele, 1 heterozygote.
Comment: This study involves interpretation of variants in research participants for the purpose of population health screening. Participant phenotype was not available at the time of variant classification. Additional details can be found in publication PMID: 35346344, PMCID: PMC8962531